The following is an entry in ClinVar:

ClinVar aggregate classification (germline): Uncertain significance (1 of 4 stars; one submission).

Allele frequency attached by ClinVar (database versions not stated): TOPMed below 0.00001; gnomAD 0.00001.
gnomAD v4.1: 1 of 1,211,522 alleles (0.000083%); highest among the groups gnomAD compares: Non-Finnish European, 0.00011%; no homozygotes.

Submission:

Mayo Clinic Laboratories, Mayo Clinic
Classification: Uncertain significance. Last evaluated: 2022-11-17. Review status: criteria provided, single submitter. Criteria: ACMG Guidelines, 2015. Collection method: clinical testing. Allele origin: germline. Observed: 1 variant allele.
Comment: PP2, PM2_supporting

NM_001110556.2(FLNA):c.7582C>T (p.His2528Tyr)

Genes: FLNA (filamin A; minus strand), LOC107988032 (Xq28 proximal FLNA-EMD recombination region; plus strand). Cytogenetic location: Xq28.
Variant type: single nucleotide variant.
Coding change: c.7582C>T on transcript NM_001110556.2 (MANE Select); coding-DNA position 7582, C replaced by T.
Protein change: p.His2528Tyr; replaces histidine 2528 with tyrosine.
Molecular consequence: missense variant.
Genome position (GRCh38, 1-based): chrX:154,349,536, G>A on the plus strand (C>T on the coding strand, the complement: FLNA is on the minus strand). VCF-style: chrX-154349536-G-A. GRCh37 (hg19) VCF-style: chrX-153577904-G-A.
Other names: p.His2520Tyr; c.7558C>T, p.His2520Tyr (NM_001456.4); short protein forms H2520Y, H2528Y.
Identifiers: ClinVar variation 2683599 (VCV002683599.1), dbSNP rs1361523281, ClinGen allele CA415180957.